The following is an entry in ClinVar:

NM_001006658.3(CR2):c.1343A>G (p.Glu448Gly)

Gene: CR2 (complement C3d receptor 2; plus strand). Cytogenetic location: 1q32.2.
Variant type: single nucleotide variant.
Coding change: c.1343A>G on transcript NM_001006658.3 (MANE Select); coding-DNA position 1343, A replaced by G.
Protein change: p.Glu448Gly; replaces glutamic acid 448 with glycine.
Molecular consequence: missense variant.
Genome position (GRCh38, 1-based): chr1:207,470,857, A>G. VCF-style: chr1-207470857-A-G. GRCh37 (hg19) VCF-style: chr1-207644202-A-G.
Other names: c.1343A>G, p.Glu448Gly (NM_001877.5); short protein forms E448G.
Identifiers: ClinVar variation 4811760 (VCV004811760.1).

ClinVar aggregate classification (germline): Uncertain significance (1 of 4 stars; one submission).

Conditions:
Immunodeficiency, common variable, 7. Identifiers: Orphanet 1572, Orphanet 696894, MedGen C3542922, MONDO:0013862, OMIM 614699.

Submission:

Labcorp Genetics (formerly Invitae), Labcorp
Classification: Uncertain significance for Immunodeficiency, common variable, 7. Last evaluated: 2025-03-03. Review status: criteria provided, single submitter. Criteria: Invitae Variant Classification Sherloc (09022015). Collection method: clinical testing. Allele origin: germline.
Comment: This sequence change replaces glutamic acid, which is acidic and polar, with glycine, which is neutral and non-polar, at codon 448 of the CR2 protein (p.Glu448Gly). This variant is not present in population databases (gnomAD no frequency). This variant has not been reported in the literature in individuals affected with CR2-related conditions. An algorithm developed to predict the effect of missense changes on protein structure and function outputs the following: PolyPhen-2: "Benign". The glycine amino acid residue is found in multiple mammalian species, which suggests that this missense change does not adversely affect protein function. Algorithms developed to predict the effect of sequence changes on RNA splicing suggest that this variant may disrupt the consensus splice site. In summary, the available evidence is currently insufficient to determine the role of this variant in disease. Therefore, it has been classified as a Variant of Uncertain Significance.